The following is an entry in ClinVar:

NM_032043.3(BRIP1):c.3503A>C (p.Lys1168Thr)

Gene: BRIP1 (BRCA1 interacting DNA helicase 1; minus strand). Cytogenetic location: 17q23.2.
Variant type: single nucleotide variant.
Coding change: c.3503A>C on transcript NM_032043.3 (MANE Select); coding-DNA position 3503, A replaced by C.
Protein change: p.Lys1168Thr; replaces lysine 1168 with threonine.
Molecular consequence: missense variant.
Genome position (GRCh38, 1-based): chr17:61,683,543, T>G on the plus strand (A>C on the coding strand, the complement: BRIP1 is on the minus strand). VCF-style: chr17-61683543-T-G. GRCh37 (hg19) VCF-style: chr17-59760904-T-G.
Other names: short protein forms K1168T.
Identifiers: ClinVar variation 439028 (VCV000439028.16), dbSNP rs749589266, ClinGen allele CA8690355.

ClinVar aggregate classification (germline): Uncertain significance. Review status: criteria provided, multiple submitters, no conflicts (2 of 4 stars). 3 submissions from 3 submitters: Uncertain significance (3). Last evaluated 2024-04-22.

Conditions:
Hereditary cancer-predisposing syndrome. Also called: Hereditary Cancer Syndrome; Hereditary neoplastic syndrome; Tumor predisposition; Neoplastic Syndromes, Hereditary. Identifiers: Orphanet 140162, MedGen C0027672, MeSH D009386, MONDO:0015356.
Familial cancer of breast. Also called: hereditary breast carcinoma; BREAST CANCER, FAMILIAL; Hereditary breast cancer. Identifiers: Orphanet 227535, MedGen C0346153, MONDO:0016419, OMIM 114480. Disease mechanism: loss of function.
Fanconi anemia complementation group J. Also called: BRIP1-Related Fanconi Anemia. Identifiers: Orphanet 84, MedGen C1836860, MONDO:0012187, OMIM 609054.

Allele frequency attached by ClinVar (database versions not stated): gnomAD exomes below 0.00001; TOPMed below 0.00001; ExAC 0.00001.
gnomAD v4.1: 3 of 1,613,320 alleles (0.00019%); highest among the groups gnomAD compares: African/African-American, 0.0013%; no homozygotes.

Submissions (3):

Ambry Genetics
Classification: Uncertain significance for Hereditary cancer-predisposing syndrome. Last evaluated: 2024-04-22. Review status: criteria provided, single submitter. Criteria: Ambry Variant Classification Scheme 2023. Collection method: clinical testing. Allele origin: germline.
Comment: The p.K1168T variant (also known as c.3503A>C), located in coding exon 19 of the BRIP1 gene, results from an A to C substitution at nucleotide position 3503. The lysine at codon 1168 is replaced by threonine, an amino acid with similar properties. This amino acid position is poorly conserved in available vertebrate species. In addition, this alteration is predicted to be tolerated by in silico analysis. Since supporting evidence is limited at this time, the clinical significance of this alteration remains unclear.

Labcorp Genetics (formerly Invitae), Labcorp
Classification: Uncertain significance for Familial cancer of breast; Fanconi anemia complementation group J. Last evaluated: 2023-09-17. Review status: criteria provided, single submitter. Criteria: Invitae Variant Classification Sherloc (09022015). Collection method: clinical testing. Allele origin: germline.
Comment: ClinVar contains an entry for this variant (Variation ID: 439028). An algorithm developed to predict the effect of missense changes on protein structure and function (PolyPhen-2) suggests that this variant is likely to be tolerated. In summary, the available evidence is currently insufficient to determine the role of this variant in disease. Therefore, it has been classified as a Variant of Uncertain Significance. This variant has not been reported in the literature in individuals affected with BRIP1-related conditions. This sequence change replaces lysine, which is basic and polar, with threonine, which is neutral and polar, at codon 1168 of the BRIP1 protein (p.Lys1168Thr). This variant is present in population databases (rs749589266, gnomAD 0.0009%).

Quest Diagnostics Nichols Institute San Juan Capistrano
Classification: Uncertain significance. Last evaluated: 2017-05-12. Review status: criteria provided, single submitter. Criteria: Quest Diagnostics criteria. Collection method: clinical testing. Allele origin: germline.